The following is an entry in ClinVar:

ClinVar aggregate classification (germline): Likely pathogenic (1 of 4 stars; one submission).

Conditions:
GLI2-related disorder. Also called: GLI2-related condition; GLI2-related disorders.

Submission:

3billion
Classification: Likely pathogenic for GLI2-related disorder. Last evaluated: 2025-12-08. Review status: criteria provided, single submitter. Criteria: ACMG Guidelines, 2015. Collection method: clinical testing. Allele origin: germline. Affected: yes.
Comment: The variant is not observed in the gnomAD v4.1.0 dataset. Predicted Consequence/Location: Frameshift: predicted to result in a loss or disruption of normal protein function through protein truncation. The predicted truncated protein may be shortened by more than 10%. Therefore, this variant is classified as Likely pathogenic according to the recommendation of ACMG/AMP guideline.

NM_001374353.1(GLI2):c.4063del (p.Arg1355fs)

Gene: GLI2 (GLI family zinc finger 2; plus strand). Cytogenetic location: 2q14.2.
Variant type: Deletion.
Coding change: c.4063del on transcript NM_001374353.1 (MANE Select); coding-DNA position 4063, one base deleted (C; older notation c.4063delC).
Protein change: p.Arg1355fs; shifts the reading frame from arginine 1355.
Molecular consequence: frameshift variant.
Genome position (GRCh38, 1-based): chr2:120,990,028, C deleted; the last of 4 consecutive C bases (chr2:120,990,025-120,990,028); deleting any one gives the same sequence. VCF-style (leftmost placement, unchanged base first): chr2-120990024-GC-G. GRCh37 (hg19) VCF-style: chr2-121747600-GC-G.
Other names: c.4114del, p.Arg1372fs (NM_001371271.1, NM_005270.5); c.3688del, p.Arg1230fs (NM_001374354.1); short protein forms R1230fs, R1355fs, R1372fs.
Identifiers: ClinVar variation 4854844 (VCV004854844.1).